The following is an entry in ClinVar:

ClinVar aggregate classification (germline): Uncertain significance. Review status: criteria provided, single submitter (1 of 4 stars). 2 submissions from 2 submitters: Uncertain significance (1). 1 of the submissions does not count toward it. Last evaluated 2025-10-28.

Conditions:
ALG3-congenital disorder of glycosylation. Also called: CARBOHYDRATE-DEFICIENT GLYCOPROTEIN SYNDROME, TYPE IV; CDGS, TYPE IV; ALG3-CDG; CONGENITAL DISORDER OF GLYCOSYLATION, TYPE Id; CDG Id. Identifiers: Orphanet 79321, MedGen C1832736, MONDO:0010998, OMIM 601110.

Allele frequency attached by ClinVar (database versions not stated): gnomAD exomes below 0.00001; TOPMed below 0.00001; gnomAD 0.00001.

Submissions (2):

GeneDx
Classification: Uncertain significance. Last evaluated: 2025-10-28. Review status: criteria provided, single submitter. Criteria: GeneDx Variant Classification Process June 2021. Collection method: clinical testing. Allele origin: germline. Affected: yes.
Comment: Reported with a second variant in the ALG3 gene in two siblings with clinical features of ALG3-related congenital disorder of glycosylation (PMID: 33583022); Not observed at significant frequency in large population cohorts (gnomAD); In silico analysis supports that this missense variant has a deleterious effect on protein structure/function; This variant is associated with the following publications: (PMID: 33583022)

University of Washington Center for Mendelian Genomics, University of Washington
Classification: Pathogenic for ALG3-congenital disorder of glycosylation. Review status: no assertion criteria provided. Collection method: research. Allele origin: inherited. Affected: yes. Not counted in ClinVar's aggregate classification.

Literature cited by the submitters: PubMed 33583022 (cited by University of Washington Center for Mendelian Genomics, University of Washington).

NM_005787.6(ALG3):c.395A>G (p.Tyr132Cys)

Gene: ALG3 (ALG3 alpha-1,3- mannosyltransferase; minus strand). Cytogenetic location: 3q27.1.
Variant type: single nucleotide variant.
Coding change: c.395A>G on transcript NM_005787.6 (MANE Select); coding-DNA position 395, A replaced by G.
Protein change: p.Tyr132Cys; replaces tyrosine 132 with cysteine.
Molecular consequence: missense variant. On other transcripts: non-coding transcript variant (2).
Genome position (GRCh38, 1-based): chr3:184,245,517, T>C on the plus strand (A>G on the coding strand, the complement: ALG3 is on the minus strand). VCF-style: chr3-184245517-T-C. GRCh37 (hg19) VCF-style: chr3-183963305-T-C.
Other names: c.251A>G, p.Tyr84Cys (NM_001006941.2); short protein forms Y132C, Y84C.
Identifiers: ClinVar variation 427138 (VCV000427138.4), dbSNP rs1085307981, ClinGen allele CA355421661.